The following is an entry in ClinVar:

ClinVar aggregate classification (germline): Conflicting classifications of pathogenicity. Review status: criteria provided, conflicting classifications (1 of 4 stars). 5 submissions from 5 submitters: Pathogenic (1); Likely pathogenic (1); Uncertain significance (3). Last evaluated 2026-02-01.

Conditions:
Hereditary cancer-predisposing syndrome. Also called: Neoplastic Syndromes, Hereditary; Hereditary neoplastic syndrome; Tumor predisposition; Hereditary Cancer Syndrome. Identifiers: Orphanet 140162, MedGen C0027672, MeSH D009386, MONDO:0015356.
Hereditary breast ovarian cancer syndrome. Also called: BRCA1- and BRCA2-Associated Hereditary Breast and Ovarian Cancer; Hereditary breast and/or ovarian cancer syndrome; Hereditary breast and ovarian cancer syndrome (HBOC); Hereditary breast and ovarian cancer syndrome; Hereditary breast and ovarian cancer; Breast and ovarian cancer. Identifiers: Orphanet 145, MedGen C0677776, MeSH D061325, MONDO:0003582. Disease mechanism: loss of function.
Ataxia-telangiectasia syndrome (AT). Also called: Ataxia telangiectasia (A-T); Cerebello-oculocutaneous telangiectasia; Immunodeficiency with ataxia telangiectasia; LOUIS-BAR SYNDROME; AT, COMPLEMENTATION GROUP C; ATAXIA-TELANGIECTASIA, FRESNO VARIANT. Identifiers: Orphanet 100, MedGen C0004135, MONDO:0008840, OMIM 208900.

Allele frequency attached by ClinVar (database versions not stated): gnomAD exomes below 0.00001.
gnomAD v4.1: 2 of 1,610,906 alleles (0.00012%); highest among the groups gnomAD compares: Non-Finnish European, 0.00017%; no homozygotes.

Submissions (5):

Labcorp Genetics (formerly Invitae), Labcorp
Classification: Likely pathogenic for Ataxia-telangiectasia syndrome. Last evaluated: 2026-02-01. Review status: criteria provided, single submitter. Criteria: Invitae Variant Classification Sherloc (09022015). Collection method: clinical testing. Allele origin: germline.
Comment: This sequence change replaces leucine, which is neutral and non-polar, with arginine, which is basic and polar, at codon 2541 of the ATM protein (p.Leu2541Arg). This variant is not present in population databases (gnomAD no frequency). This missense change has been observed in individual(s) with clinical features of ataxia-telangiectasia (PMID: 19535770, 22213089, 30549301). ClinVar contains an entry for this variant (Variation ID: 231059). Invitae Evidence Modeling of protein sequence and biophysical properties (such as structural, functional, and spatial information, amino acid conservation, physicochemical variation, residue mobility, and thermodynamic stability) indicates that this missense variant is expected to disrupt ATM protein function with a positive predictive value of 95%. In summary, the currently available evidence indicates that the variant is pathogenic, but additional data are needed to prove that conclusively. Therefore, this variant has been classified as Likely Pathogenic.

Ambry Genetics
Classification: Uncertain significance for Hereditary cancer-predisposing syndrome. Last evaluated: 2025-07-14. Review status: criteria provided, single submitter. Criteria: Ambry Variant Classification Scheme 2023. Collection method: clinical testing. Allele origin: germline.
Comment: The p.L2541R variant (also known as c.7622T>G), located in coding exon 50 of the ATM gene, results from a T to G substitution at nucleotide position 7622. The leucine at codon 2541 is replaced by arginine, an amino acid with dissimilar properties. This alteration has been reported in trans with another uncharacterized ATM missense alteration in three brothers with an adult-onset less severe form of ataxia telangiectasia (Hiel JA et al. Neurology, 2006 Jul;67:346-9). Cells from two of the siblings showed reduced but not absent protein levels, and kinase activity at levels similar to wild type, although quantitation was not performed. However, these three siblings did not have all the features associated with classical A-T (Hiel JA, Neurology 2006 Jul; 67(2):346-9.; Verhagen MM, Neurology 2009 Aug; 73(6):430-7.). This amino acid position is highly conserved in available vertebrate species. In addition, this alteration is predicted to be deleterious by in silico analysis. Based on the available evidence, the clinical significance of this variant remains unclear.

Color Diagnostics, LLC DBA Color Health
Classification: Uncertain significance for Hereditary cancer-predisposing syndrome. Last evaluated: 2025-07-07. Review status: criteria provided, single submitter. Criteria: ACMG Guidelines, 2015. Collection method: clinical testing. Allele origin: germline.
Comment: This missense variant replaces leucine with arginine at codon 2541 of the ATM protein. Computational prediction suggests that this variant may have deleterious impact on protein structure and function. To our knowledge, functional studies have not been reported for this variant (PMID: 16864838). This variant has been observed in three siblings affected with adult-onset ataxia telangiectasia in trans with p.Leu1046Phe (PMID: 16864838). Cell lines derived from two of these individuals showed a reduced level of ATM protein expression with kinase activity slightly lower than normal (PMID: 16864838). This variant has not been identified in the general population by the Genome Aggregation Database (gnomAD). The available evidence is insufficient to determine the role of this variant in disease conclusively. Therefore, this variant is classified as a Variant of Uncertain Significance.

German Consortium for Hereditary Breast and Ovarian Cancer, University Hospital Cologne
Classification: Uncertain significance for Hereditary breast ovarian cancer syndrome. Last evaluated: 2025-01-14. Review status: criteria provided, single submitter. Criteria: ClinGen ATM V1.3.0. Collection method: curation. Allele origin: germline.
Comment: According to the ClinGen ACMG ATM v1.3.0 criteria we chose these criteria: PM2 (supporting pathogenic): absent from gnomAD v2; gnomAD v4 2/1178734, AF = 0.000001697 (thus ≤ 0.001%), PP3 (supporting pathogenic): REVEL: 0.95

CeGaT Center for Human Genetics Tuebingen
Classification: Pathogenic. Last evaluated: 2020-07-01. Review status: criteria provided, single submitter. Criteria: CeGaT Center For Human Genetics Tuebingen Variant Classification Criteria Version 2. Collection method: clinical testing. Allele origin: germline. Affected: yes. Observed: 2 variant alleles.

Literature cited by the submitters: PubMed 19535770 (cited by Labcorp Genetics (formerly Invitae), Labcorp and Ambry Genetics); PubMed 22213089 (cited by Labcorp Genetics (formerly Invitae), Labcorp); PubMed 30549301 (cited by Labcorp Genetics (formerly Invitae), Labcorp); PubMed 16864838 (cited by Ambry Genetics and Color Diagnostics, LLC DBA Color Health).

NM_000051.4(ATM):c.7622T>G (p.Leu2541Arg)

Genes: ATM (ATM serine/threonine kinase; plus strand), C11orf65 (chromosome 11 open reading frame 65; minus strand). Cytogenetic location: 11q22.3.
Variant type: single nucleotide variant.
Coding change: c.7622T>G on transcript NM_000051.4 (MANE Select); coding-DNA position 7622, T replaced by G.
Protein change: p.Leu2541Arg; replaces leucine 2541 with arginine.
Molecular consequence: missense variant. On other transcripts: non-coding transcript variant (1), intron variant (2).
Genome position (GRCh38, 1-based): chr11:108,331,550, T>G. VCF-style: chr11-108331550-T-G. GRCh37 (hg19) VCF-style: chr11-108202277-T-G.
Other names: c.7622T>G, p.Leu2541Arg (NM_001351834.2); c.641-22479A>C (NM_001330368.2); c.*38+3670A>C (NM_001351110.2); short protein forms L2541R.
Identifiers: ClinVar variation 231059 (VCV000231059.49), dbSNP rs876658933, ClinGen allele CA10579264.